The following is an entry in ClinVar:

ClinVar aggregate classification (germline): Likely benign. Review status: criteria provided, single submitter (1 of 4 stars). 2 submissions from 2 submitters: Likely benign (1). 1 of the submissions does not count toward it. Last evaluated 2023-05-17.

Conditions:
Inborn genetic diseases. Identifiers: MedGen C0950123, MeSH D030342.
ADCY3-related disorder. Also called: ADCY3-related condition.

Allele frequency attached by ClinVar (database versions not stated): gnomAD 0.00001; ExAC 0.00003.
gnomAD v4.1: 17 of 1,612,318 alleles (0.0011%); highest among the groups gnomAD compares: South Asian, 0.0044%; no homozygotes.

Submissions (2):

Ambry Genetics
Classification: Likely benign for Inborn genetic diseases. Last evaluated: 2023-05-17. Review status: criteria provided, single submitter. Criteria: Ambry Variant Classification Scheme 2023. Collection method: clinical testing. Allele origin: germline.

PreventionGenetics, part of Exact Sciences
Classification: Uncertain significance for ADCY3-related condition. Last evaluated: 2024-02-08. Review status: no assertion criteria provided. Collection method: clinical testing. Allele origin: germline. Not counted in ClinVar's aggregate classification.
Comment: The ADCY3 c.1656T>A variant is predicted to result in the amino acid substitution p.Asp552Glu. To our knowledge, this variant has not been reported in the literature. This variant is reported in 0.0066% of alleles in individuals of South Asian descent in gnomAD. In mouse and rat it is a glutamic acid (Glu) at this position. Although we suspect that this variant may be benign, at this time, the clinical significance of this variant is uncertain due to the absence of conclusive functional and genetic evidence.

NM_004036.5(ADCY3):c.1656T>A (p.Asp552Glu)

Gene: ADCY3 (adenylate cyclase 3; minus strand). Cytogenetic location: 2p23.3.
Variant type: single nucleotide variant.
Coding change: c.1656T>A on transcript NM_004036.5 (MANE Select); coding-DNA position 1656, T replaced by A.
Protein change: p.Asp552Glu; replaces aspartic acid 552 with glutamic acid.
Molecular consequence: missense variant.
Genome position (GRCh38, 1-based): chr2:24,836,923, A>T on the plus strand (T>A on the coding strand, the complement: ADCY3 is on the minus strand). VCF-style: chr2-24836923-A-T. GRCh37 (hg19) VCF-style: chr2-25059792-A-T.
Other names: c.1656T>A, p.Asp552Glu (NM_001320613.2, NM_001377129.1, NM_001377130.1 and 1 more transcripts); c.1722T>A, p.Asp574Glu (NM_001377128.1); c.933T>A, p.Asp311Glu (NM_001377131.1); c.1656T>A (NM_001320613.1); short protein forms D574E, D552E, D311E.
Identifiers: ClinVar variation 2522397 (VCV002522397.4), dbSNP rs763118806, ClinGen allele CA1554060.